The following is an entry in ClinVar:

ClinVar aggregate classification (germline): Uncertain significance (1 of 4 stars; one submission).

Conditions:
Primary ciliary dyskinesia. Also called: Ciliary dyskinesia. Identifiers: Orphanet 244, MedGen C0008780, MONDO:0016575, HP:0012265.

Allele frequency attached by ClinVar (database versions not stated): TOPMed 0.00002; gnomAD 0.00004; gnomAD exomes 0.00005 and 0.00009; ExAC 0.00006.
gnomAD v4.1: 75 of 1,614,008 alleles (0.0046%); highest among the groups gnomAD compares: Non-Finnish European, 0.003%; no homozygotes.

Submission:

Labcorp Genetics (formerly Invitae), Labcorp
Classification: Uncertain significance for Primary ciliary dyskinesia. Last evaluated: 2021-08-24. Review status: criteria provided, single submitter. Criteria: Invitae Variant Classification Sherloc (09022015). Collection method: clinical testing. Allele origin: germline.
Comment: This sequence change replaces glycine with valine at codon 199 of the RSPH4A protein (p.Gly199Val). The glycine residue is weakly conserved and there is a moderate physicochemical difference between glycine and valine. This variant is present in population databases (rs143264253, ExAC 0.08%). This variant has not been reported in the literature in individuals affected with RSPH4A-related conditions. Algorithms developed to predict the effect of missense changes on protein structure and function output the following: SIFT: "Tolerated"; PolyPhen-2: "Benign"; Align-GVGD: "Class C0". The valine amino acid residue is found in multiple mammalian species, which suggests that this missense change does not adversely affect protein function. In summary, the available evidence is currently insufficient to determine the role of this variant in disease. Therefore, it has been classified as a Variant of Uncertain Significance.

NM_001010892.3(RSPH4A):c.596G>T (p.Gly199Val)

Gene: RSPH4A (radial spoke head component 4A; plus strand). Cytogenetic location: 6q22.1.
Variant type: single nucleotide variant.
Coding change: c.596G>T on transcript NM_001010892.3 (MANE Select); coding-DNA position 596, G replaced by T.
Protein change: p.Gly199Val; replaces glycine 199 with valine.
Molecular consequence: missense variant.
Genome position (GRCh38, 1-based): chr6:116,617,219, G>T. VCF-style: chr6-116617219-G-T. GRCh37 (hg19) VCF-style: chr6-116938382-G-T.
Other names: c.596G>T, p.Gly199Val (NM_001161664.2); short protein forms G199V.
Identifiers: ClinVar variation 570240 (VCV000570240.8), dbSNP rs143264253, ClinGen allele CA3970792.